The following is an entry in ClinVar:

NM_001190274.2(FBXO11):c.77_91dup (p.Gln30_Pro31insGlnProProGlnGln)

Genes: FBXO11 (F-box protein 11; minus strand), LOC100506235 (uncharacterized LOC100506235; plus strand). Cytogenetic location: 2p16.3.
Variant type: Duplication.
Coding change: c.77_91dup on transcript NM_001190274.2 (MANE Select); coding-DNA positions 77 to 91, 15 bases duplicated (AGCCCCCGCAGCAGC).
Protein change: p.Gln30_Pro31insGlnProProGlnGln.
Molecular consequence: non-coding transcript variant (on NR_187636.1).
Genome position (GRCh38, 1-based): chr2:47,905,630-47,905,644, GCTGCTGCGGGGGCT duplicated on the plus strand (AGCCCCCGCAGCAGC on the coding strand, the reverse complement: FBXO11 is on the minus strand); duplicating any 15 consecutive bases within chr2:47,905,630-47,905,652 gives the same sequence; the c. name uses the placement nearest the transcript's 3' end. VCF-style (leftmost placement, unchanged base first): chr2-47905629-G-GGCTGCTGCGGGGGCT. GRCh37 (hg19) VCF-style: chr2-48132768-G-GGCTGCTGCGGGGGCT.
Identifiers: ClinVar variation 2904281 (VCV002904281.3), dbSNP rs1678750001, ClinGen allele CA2496115898.

ClinVar aggregate classification (germline): Uncertain significance (1 of 4 stars; one submission).

Submission:

Labcorp Genetics (formerly Invitae), Labcorp
Classification: Uncertain significance. Last evaluated: 2023-01-28. Review status: criteria provided, single submitter. Criteria: Invitae Variant Classification Sherloc (09022015). Collection method: clinical testing. Allele origin: germline.
Comment: This variant is not present in population databases (gnomAD no frequency). In summary, the available evidence is currently insufficient to determine the role of this variant in disease. Therefore, it has been classified as a Variant of Uncertain Significance. This variant has not been reported in the literature in individuals affected with FBXO11-related conditions. This variant, c.77_91dup, results in the insertion of 5 amino acid(s) of the FBXO11 protein (p.Gln26_Gln30dup), but otherwise preserves the integrity of the reading frame.